The following is an entry in ClinVar:

ClinVar aggregate classification (germline): Uncertain significance (1 of 4 stars; one submission).

Conditions:
Fanconi anemia (FA). Also called: Fanconi's anemia. Identifiers: Orphanet 84, MedGen C0015625, MeSH D005199, MONDO:0019391.

Allele frequency attached by ClinVar (database versions not stated): gnomAD exomes below 0.00001 and 0.00001; TOPMed 0.00001.
gnomAD v4.1: 1 of 1,197,612 alleles (0.000083%); highest among the groups gnomAD compares: East Asian, 0.003%; no homozygotes.

Submission:

Labcorp Genetics (formerly Invitae), Labcorp
Classification: Uncertain significance for Fanconi anemia. Last evaluated: 2021-08-31. Review status: criteria provided, single submitter. Criteria: Invitae Variant Classification Sherloc (09022015). Collection method: clinical testing. Allele origin: germline.
Comment: This sequence change replaces glycine with valine at codon 715 of the FANCB protein (p.Gly715Val). The glycine residue is highly conserved and there is a moderate physicochemical difference between glycine and valine. This variant is not present in population databases (ExAC no frequency). This variant has not been reported in the literature in individuals affected with FANCB-related conditions. Algorithms developed to predict the effect of missense changes on protein structure and function are either unavailable or do not agree on the potential impact of this missense change (SIFT: "Deleterious"; PolyPhen-2: "Probably Damaging"; Align-GVGD: "Class C0"). In summary, the available evidence is currently insufficient to determine the role of this variant in disease. Therefore, it has been classified as a Variant of Uncertain Significance.

NM_001018113.3(FANCB):c.2144G>T (p.Gly715Val)

Gene: FANCB (FA complementation group B; minus strand). Cytogenetic location: Xp22.2.
Variant type: single nucleotide variant.
Coding change: c.2144G>T on transcript NM_001018113.3 (MANE Select); coding-DNA position 2144, G replaced by T.
Protein change: p.Gly715Val; replaces glycine 715 with valine.
Molecular consequence: missense variant.
Genome position (GRCh38, 1-based): chrX:14,844,524, C>A on the plus strand (G>T on the coding strand, the complement: FANCB is on the minus strand). VCF-style: chrX-14844524-C-A. GRCh37 (hg19) VCF-style: chrX-14862646-C-A.
Other names: c.2144G>T, p.Gly715Val (NM_001324162.2, NM_152633.4); short protein forms G715V.
Identifiers: ClinVar variation 1047268 (VCV001047268.6), dbSNP rs1389308960, ClinGen allele CA412438129.